The following is an entry in ClinVar:

ClinVar aggregate classification (germline): Pathogenic/Likely pathogenic. Review status: criteria provided, multiple submitters, no conflicts (2 of 4 stars). 2 submissions from 2 submitters: Pathogenic (1); Likely pathogenic (1). Last evaluated 2026-07-17.

Conditions:
BBS5-related disorder. Also called: BBS5-related condition.
Bardet-Biedl syndrome (BBS). Identifiers: Orphanet 110, MedGen C0752166, MONDO:0015229.

Submissions (2):

PreventionGenetics, part of Exact Sciences
Classification: Likely pathogenic for BBS5-related condition. Last evaluated: 2026-07-17. Review status: criteria provided, single submitter. Criteria: ACMG Guidelines, 2015. Collection method: clinical testing. Allele origin: germline.
Comment: The BBS5 c.5_8dupCGGT variant is predicted to result in a frameshift and premature protein termination (p.Leu4Glyfs*30). To our knowledge, this variant has not been reported in association with BBS5 related disease. This variant is reported in 0.0046% of alleles in individuals of European (Finnish) descent in gnomAD and is interpreted as pathogenic in ClinVar (Variation ID: 2163400). Frameshift variants in BBS5 are expected to be pathogenic. This variant is interpreted as likely pathogenic.

Labcorp Genetics (formerly Invitae), Labcorp
Classification: Pathogenic for Bardet-Biedl syndrome. Last evaluated: 2022-10-07. Review status: criteria provided, single submitter. Criteria: Invitae Variant Classification Sherloc (09022015). Collection method: clinical testing. Allele origin: germline.
Comment: For these reasons, this variant has been classified as Pathogenic. This variant has not been reported in the literature in individuals affected with BBS5-related conditions. This variant is present in population databases (rs756684256, gnomAD 0.005%). This sequence change creates a premature translational stop signal (p.Leu4Glyfs*30) in the BBS5 gene. It is expected to result in an absent or disrupted protein product. Loss-of-function variants in BBS5 are known to be pathogenic (PMID: 15137946, 16877420, 26325687, 27708425, 28041643, 29806606).

Literature cited by the submitters: PubMed 15137946 (cited by Labcorp Genetics (formerly Invitae), Labcorp); PubMed 16877420 (cited by Labcorp Genetics (formerly Invitae), Labcorp); PubMed 26325687 (cited by Labcorp Genetics (formerly Invitae), Labcorp); PubMed 27708425 (cited by Labcorp Genetics (formerly Invitae), Labcorp); PubMed 28041643 (cited by Labcorp Genetics (formerly Invitae), Labcorp); PubMed 29806606 (cited by Labcorp Genetics (formerly Invitae), Labcorp).

NM_152384.3(BBS5):c.5_8dup (p.Leu4fs)

Genes: BBS5 (Bardet-Biedl syndrome 5; plus strand), LOC129935068 (ATAC-STARR-seq lymphoblastoid active region 16738; plus strand). Cytogenetic location: 2q31.1.
Variant type: Duplication.
Coding change: c.5_8dup on transcript NM_152384.3 (MANE Select); coding-DNA positions 5 to 8, 4 bases duplicated (CGGT; older notation c.5_8dupCGGT).
Protein change: p.Leu4fs; shifts the reading frame from leucine 4.
Molecular consequence: frameshift variant, initiator codon variant.
Genome position (GRCh38, 1-based): chr2:169,479,558-169,479,561, CGGT duplicated; duplicating any 4 consecutive bases within chr2:169,479,556-169,479,561 gives the same sequence; the c. name uses the placement nearest the transcript's 3' end. VCF-style (leftmost placement, unchanged base first): chr2-169479555-T-TGTCG. GRCh37 (hg19) VCF-style: chr2-170336065-T-TGTCG.
Other names: c.5_8dupCGGT (NM_152384.2); short protein forms L4fs.
Identifiers: ClinVar variation 2163400 (VCV002163400.6), dbSNP rs756684256, ClinGen allele CA1956065.